The following is an entry in ClinVar:

ClinVar aggregate classification (germline): Uncertain significance (1 of 4 stars; one submission).

Conditions:
Nephronophthisis 14 (NPHP14). Identifiers: Orphanet 2318, MedGen C3539071, MONDO:0013916, OMIM 614844.

Allele frequency attached by ClinVar (database versions not stated): gnomAD exomes below 0.00001.
gnomAD v4.1: 3 of 1,614,050 alleles (0.00019%); highest among the groups gnomAD compares: Middle Eastern, 0.033%; no homozygotes.

Submission:

Labcorp Genetics (formerly Invitae), Labcorp
Classification: Uncertain significance for Nephronophthisis 14. Last evaluated: 2022-02-16. Review status: criteria provided, single submitter. Criteria: Invitae Variant Classification Sherloc (09022015). Collection method: clinical testing. Allele origin: germline.
Comment: In summary, the available evidence is currently insufficient to determine the role of this variant in disease. Therefore, it has been classified as a Variant of Uncertain Significance. Algorithms developed to predict the effect of missense changes on protein structure and function are either unavailable or do not agree on the potential impact of this missense change (SIFT: "Tolerated"; PolyPhen-2: "Probably Damaging"; Align-GVGD: "Class C0"). This variant has not been reported in the literature in individuals affected with ZNF423-related conditions. This variant is not present in population databases (gnomAD no frequency). This sequence change replaces methionine, which is neutral and non-polar, with isoleucine, which is neutral and non-polar, at codon 524 of the ZNF423 protein (p.Met524Ile).

NM_001379286.1(ZNF423):c.1596G>T (p.Met532Ile)

Gene: ZNF423 (zinc finger protein 423; minus strand). Cytogenetic location: 16q12.1.
Variant type: single nucleotide variant.
Coding change: c.1596G>T on transcript NM_001379286.1 (MANE Select); coding-DNA position 1596, G replaced by T.
Protein change: p.Met532Ile; replaces methionine 532 with isoleucine.
Molecular consequence: missense variant.
Genome position (GRCh38, 1-based): chr16:49,637,580, C>A on the plus strand (G>T on the coding strand, the complement: ZNF423 is on the minus strand). VCF-style: chr16-49637580-C-A. GRCh37 (hg19) VCF-style: chr16-49671491-C-A.
Other names: c.1392G>T, p.Met464Ile (NM_001271620.2); c.1221G>T, p.Met407Ile (NM_001330533.2); c.1572G>T, p.Met524Ile (NM_015069.5); short protein forms M464I, M532I, M524I, M407I.
Identifiers: ClinVar variation 2089577 (VCV002089577.4), dbSNP rs2507007340, ClinGen allele CA395847334.